The following is an entry in ClinVar:

ClinVar aggregate classification (germline): Uncertain significance (1 of 4 stars; one submission).

Conditions:
Hydrocephalus, nonsyndromic, autosomal recessive 1 (HYC1). Also called: Congenital hydrocephalus 1; Hydrocephalus, nonsyndromic, autosomal recessive. Identifiers: Orphanet 2185, MedGen C3887608, MONDO:0009360, OMIM 236600.

Submission:

Myriad Genetics, Inc.
Classification: Uncertain significance for Hydrocephalus, nonsyndromic, autosomal recessive 1. Last evaluated: 2026-05-07. Review status: criteria provided, single submitter. Criteria: Myriad Autosomal Dominant, Autosomal Recessive and X-Linked Classification Criteria (2023). Collection method: clinical testing. Allele origin: unknown.
Comment: NM_001080414.3(CCDC88C):c.3201_3209del9(L1069_A1071del) is an in-frame deletion classified as a variant of uncertain significance in the context of congenital hydrocephalus, CCDC88C-related. L1069_A1071del has not been observed in cases with relevant disease. Relevant functional assessments of this variant are not available in the literature. L1069_A1071del has been observed in referenced population frequency databases. In summary, there is insufficient evidence to classify NM_001080414.3(CCDC88C):c.3201_3209del9(L1069_A1071del) as pathogenic or benign. Please note: this variant was assessed in the context of healthy population screening.

NM_001080414.4(CCDC88C):c.3201_3209del (p.Leu1069_Ala1071del)

Gene: CCDC88C (coiled-coil and HOOK domain protein 88C; minus strand). Cytogenetic location: 14q32.11.
Variant type: Deletion.
Coding change: c.3201_3209del on transcript NM_001080414.4 (MANE Select); coding-DNA positions 3201 to 3209, 9 bases deleted (AGCTCTGCA; older notation c.3201_3209delAGCTCTGCA).
Protein change: p.Leu1069_Ala1071del.
Molecular consequence: inframe deletion. On other transcripts: non-coding transcript variant (2).
Genome position (GRCh38, 1-based): chr14:91,305,913-91,305,921, TGCAGAGCT deleted on the plus strand (AGCTCTGCA on the coding strand, the reverse complement: CCDC88C is on the minus strand). VCF-style (leftmost placement, unchanged base first): chr14-91305912-CTGCAGAGCT-C. GRCh37 (hg19) VCF-style: chr14-91772256-CTGCAGAGCT-C.
Identifiers: ClinVar variation 5004048 (VCV005004048.1).